The following is an entry in ClinVar:

NM_002971.6(SATB1):c.487G>A (p.Val163Met)

Gene: SATB1 (SATB homeobox 1; minus strand). Cytogenetic location: 3p24.3.
Variant type: single nucleotide variant.
Coding change: c.487G>A on transcript NM_002971.6 (MANE Select); coding-DNA position 487, G replaced by A.
Protein change: p.Val163Met; replaces valine 163 with methionine.
Molecular consequence: missense variant.
Genome position (GRCh38, 1-based): chr3:18,416,035, C>T on the plus strand (G>A on the coding strand, the complement: SATB1 is on the minus strand). VCF-style: chr3-18416035-C-T. GRCh37 (hg19) VCF-style: chr3-18457527-C-T.
Other names: c.487G>A, p.Val163Met (NM_001131010.4, NM_001195470.3, NM_001322871.2 and 4 more transcripts); c.271G>A, p.Val91Met (NM_001322876.2); short protein forms V163M, V91M.
Identifiers: ClinVar variation 1698158 (VCV001698158.2), dbSNP rs1056934746, ClinGen allele CA70720343.

ClinVar aggregate classification (germline): Uncertain significance (1 of 4 stars; one submission).

Allele frequency attached by ClinVar (database versions not stated): TOPMed below 0.00001.

Submission:

GeneDx
Classification: Uncertain significance. Last evaluated: 2022-01-25. Review status: criteria provided, single submitter. Criteria: GeneDx Variant Classification Process June 2021. Collection method: clinical testing. Allele origin: germline. Affected: yes.
Comment: Not observed at significant frequency in large population cohorts (gnomAD); In silico analysis supports that this missense variant does not alter protein structure/function; Has not been previously published as pathogenic or benign to our knowledge